The following is an entry in ClinVar:

NM_001317107.2(OR4E1):c.657G>A (p.Val219=)

Genes: OR4E1 (olfactory receptor family 4 subfamily E member 1; minus strand), TRA (T cell receptor alpha locus; plus strand). Cytogenetic location: 14q11.2.
Variant type: single nucleotide variant.
Coding change: c.657G>A on transcript NM_001317107.2 (MANE Select); coding-DNA position 657, G replaced by A.
Protein change: p.Val219=; no amino-acid change (valine 219 retained).
Molecular consequence: synonymous variant.
Genome position (GRCh38, 1-based): chr14:21,670,279, C>T on the plus strand (G>A on the coding strand, the complement: OR4E1 is on the minus strand). VCF-style: chr14-21670279-C-T. GRCh37 (hg19) VCF-style: chr14-22138492-C-T.
Identifiers: ClinVar variation 2644073 (VCV002644073.24), dbSNP rs759544811, ClinGen allele CA257537964.
Genomic context (GRCh38, chr14:21,670,279, plus strand): 5'-CTTCCGCTTGCCCTTGGAGATCTGCTGCCTCAGACTCACCAGGATGACTGCGTAGGACAC[C>T]ACCAGGACCACAAAACAGACCACGGAGATCAATCCACTGTTGGAGACAATGAGGATCTCA-3'
Protein context (NP_001304036.1, residues 209-229): LISVVCFVVL[Val219=]VSYAVILVSL

ClinVar aggregate classification (germline): Likely benign (1 of 4 stars; one submission).

Allele frequency attached by ClinVar (database versions not stated): gnomAD 0.00088; gnomAD exomes 0.00152.
gnomAD v4.1: 535 of 398,848 alleles (0.13%); highest among the groups gnomAD compares: Middle Eastern, 1.3%; 6 homozygotes.

Submission:

CeGaT Center for Human Genetics Tuebingen
Classification: Likely benign. Last evaluated: 2022-06-01. Review status: criteria provided, single submitter. Criteria: CeGaT Center For Human Genetics Tuebingen Variant Classification Criteria Version 2. Collection method: clinical testing. Allele origin: germline. Affected: yes. Observed: 1 variant allele.
Comment: OR4E1: BP4, BP7